The following is an entry in ClinVar:

ClinVar aggregate classification (germline): Uncertain significance (1 of 4 stars; one submission).

Conditions:
Leber congenital amaurosis 9 (LCA9). Also called: LCA9 Leber Congenital Amaurosis; LCA 9; Amaurosis congenita of Leber, type 9. Identifiers: Orphanet 65, MedGen C1837873, MONDO:0012056, OMIM 608553.

Allele frequency attached by ClinVar (database versions not stated): gnomAD 0.00001; TOPMed 0.00001; gnomAD exomes 0.00002.
gnomAD v4.1: 12 of 1,614,058 alleles (0.00074%); highest among the groups gnomAD compares: Non-Finnish European, 0.001%; no homozygotes.

Submission:

Labcorp Genetics (formerly Invitae), Labcorp
Classification: Uncertain significance for Leber congenital amaurosis 9. Last evaluated: 2022-02-24. Review status: criteria provided, single submitter. Criteria: Invitae Variant Classification Sherloc (09022015). Collection method: clinical testing. Allele origin: germline.
Comment: This sequence change replaces glutamic acid, which is acidic and polar, with aspartic acid, which is acidic and polar, at codon 172 of the NMNAT1 protein (p.Glu172Asp). This variant is present in population databases (no rsID available, gnomAD 0.004%). This variant has not been reported in the literature in individuals affected with NMNAT1-related conditions. ClinVar contains an entry for this variant (Variation ID: 1023911). Algorithms developed to predict the effect of missense changes on protein structure and function are either unavailable or do not agree on the potential impact of this missense change (SIFT: "Tolerated"; PolyPhen-2: "Probably Damaging"; Align-GVGD: "Class C0"). In summary, the available evidence is currently insufficient to determine the role of this variant in disease. Therefore, it has been classified as a Variant of Uncertain Significance.

NM_022787.4(NMNAT1):c.516A>T (p.Glu172Asp)

Gene: NMNAT1 (nicotinamide nucleotide adenylyltransferase 1; plus strand). Cytogenetic location: 1p36.22.
Variant type: single nucleotide variant.
Coding change: c.516A>T on transcript NM_022787.4 (MANE Select); coding-DNA position 516, A replaced by T.
Protein change: p.Glu172Asp; replaces glutamic acid 172 with aspartic acid.
Molecular consequence: missense variant.
Genome position (GRCh38, 1-based): chr1:9,982,377, A>T. VCF-style: chr1-9982377-A-T. GRCh37 (hg19) VCF-style: chr1-10042435-A-T.
Other names: c.516A>T, p.Glu172Asp (NM_001297778.1); short protein forms E172D.
Identifiers: ClinVar variation 1023911 (VCV001023911.2), dbSNP rs1163983606, ClinGen allele CA338686591.